The following is an entry in ClinVar:

ClinVar aggregate classification (germline): Uncertain significance (1 of 4 stars; one submission).

Conditions:
Parkinsonism-dystonia, infantile. Identifiers: Orphanet 238455, MedGen C2751067, MONDO:0013150.

Allele frequency attached by ClinVar (database versions not stated): TOPMed 0.00001.
gnomAD v4.1: 20 of 1,614,216 alleles (0.0012%); highest among the groups gnomAD compares: Non-Finnish European, 0.0014%; no homozygotes.

Submission:

Labcorp Genetics (formerly Invitae), Labcorp
Classification: Uncertain significance for Parkinsonism-dystonia, infantile. Last evaluated: 2021-03-15. Review status: criteria provided, single submitter. Criteria: Invitae Variant Classification Sherloc (09022015). Collection method: clinical testing. Allele origin: germline.
Comment: This variant is present in population databases (rs149444784, ExAC 0.003%). This sequence change replaces serine with leucine at codon 202 of the SLC6A3 protein (p.Ser202Leu). The serine residue is weakly conserved and there is a large physicochemical difference between serine and leucine. This variant has not been reported in the literature in individuals with SLC6A3-related disease. In summary, the available evidence is currently insufficient to determine the role of this variant in disease. Therefore, it has been classified as a Variant of Uncertain Significance. Algorithms developed to predict the effect of missense changes on protein structure and function output the following: SIFT: "Tolerated"; PolyPhen-2: "Benign"; Align-GVGD: "Class C0". The leucine amino acid residue is found in multiple mammalian species, suggesting that this missense change does not adversely affect protein function. These predictions have not been confirmed by published functional studies and their clinical significance is uncertain.

NM_001044.5(SLC6A3):c.605C>T (p.Ser202Leu)

Gene: SLC6A3 (solute carrier family 6 member 3). Cytogenetic location: 5p15.33.
Variant type: single nucleotide variant.
Coding change: c.605C>T on transcript NM_001044.5 (MANE Select); coding-DNA position 605, C replaced by T.
Protein change: p.Ser202Leu; replaces serine 202 with leucine.
Molecular consequence: missense variant.
Genome position (GRCh38, 1-based): chr5:1,432,512, G>A on the plus strand (C>T on the coding strand, the complement: SLC6A3 is on the minus strand). VCF-style: chr5-1432512-G-A. GRCh37 (hg19) VCF-style: chr5-1432627-G-A.
Other names: short protein forms S202L.
Identifiers: ClinVar variation 538066 (VCV000538066.10), dbSNP rs149444784, ClinGen allele CA3186335.